The following is an entry in ClinVar:

NM_000153.4(GALC):c.1123_1129dup (p.Leu377Ter)

Gene: GALC (galactosylceramidase; minus strand). Cytogenetic location: 14q31.3.
Variant type: Duplication.
Coding change: c.1123_1129dup on transcript NM_000153.4 (MANE Select); coding-DNA positions 1123 to 1129, 7 bases duplicated (GATGGCT; older notation c.1123_1129dupGATGGCT).
Protein change: p.Leu377Ter; replaces leucine 377 with a stop codon.
Molecular consequence: nonsense. On other transcripts: non-coding transcript variant (1).
Genome position (GRCh38, 1-based): chr14:87,963,416-87,963,422, AGCCATC duplicated on the plus strand (GATGGCT on the coding strand, the reverse complement: GALC is on the minus strand); duplicating any 7 consecutive bases within chr14:87,963,416-87,963,424 gives the same sequence; the c. name uses the placement nearest the transcript's 3' end. VCF-style (leftmost placement, unchanged base first): chr14-87963415-A-AAGCCATC. GRCh37 (hg19) VCF-style: chr14-88429759-A-AAGCCATC.
Other names: c.1054_1060dup, p.Leu354Ter (NM_001201401.2); c.1045_1051dup, p.Leu351Ter (NM_001201402.2); c.955_961dup, p.Leu321Ter (NM_001424071.1, NM_001424072.1, NM_001424073.1); c.775_781dup, p.Leu261Ter (NM_001424074.1, NM_001424075.1); c.490_496dup, p.Leu166Ter (NM_001424076.1, NM_001424077.1); short protein forms L166*, L261*, L354*, L321*, L351*, L377*.
Identifiers: ClinVar variation 2814153 (VCV002814153.3), dbSNP rs2503430713, ClinGen allele CA2739279179.

ClinVar aggregate classification (germline): Pathogenic (1 of 4 stars; one submission).

Conditions:
Galactosylceramide beta-galactosidase deficiency. Also called: Krabbe Disease; GALACTOCEREBROSIDASE DEFICIENCY; GALC DEFICIENCY; GLOBOID CELL LEUKOENCEPHALOPATHY; Leukodystrophy, Globoid Cell. Identifiers: Orphanet 487, MedGen C0023521, MONDO:0009499, OMIM 245200.

Submission:

Labcorp Genetics (formerly Invitae), Labcorp
Classification: Pathogenic for Galactosylceramide beta-galactosidase deficiency. Last evaluated: 2022-11-14. Review status: criteria provided, single submitter. Criteria: Invitae Variant Classification Sherloc (09022015). Collection method: clinical testing. Allele origin: germline.
Comment: For these reasons, this variant has been classified as Pathogenic. This variant has not been reported in the literature in individuals affected with GALC-related conditions. This variant is not present in population databases (gnomAD no frequency). This sequence change creates a premature translational stop signal (p.Leu377*) in the GALC gene. It is expected to result in an absent or disrupted protein product. Loss-of-function variants in GALC are known to be pathogenic (PMID: 7437911, 9272171, 16607461).

Literature cited by the submitters: PubMed 7437911; PubMed 9272171; PubMed 16607461.